The following is an entry in ClinVar:

NM_003000.3(SDHB):c.314T>A (p.Ile105Asn)

Gene: SDHB (succinate dehydrogenase complex iron sulfur subunit B; minus strand). Cytogenetic location: 1p36.13.
Variant type: single nucleotide variant.
Coding change: c.314T>A on transcript NM_003000.3 (MANE Select); coding-DNA position 314, T replaced by A.
Protein change: p.Ile105Asn; replaces isoleucine 105 with asparagine.
Molecular consequence: missense variant.
Genome position (GRCh38, 1-based): chr1:17,028,709, A>T on the plus strand (T>A on the coding strand, the complement: SDHB is on the minus strand). VCF-style: chr1-17028709-A-T. GRCh37 (hg19) VCF-style: chr1-17355204-A-T.
Other names: c.314T>A, p.Ile105Asn (NM_001407361.1); short protein forms I105N.
Identifiers: ClinVar variation 4783023 (VCV004783023.1).

ClinVar aggregate classification (germline): Uncertain significance (1 of 4 stars; one submission).

Conditions:
Pheochromocytoma. Also called: MAX-Related Hereditary Paraganglioma-Pheochromocytoma Syndrome. Identifiers: Orphanet 29072, MedGen C0031511, MONDO:0008233, OMIM 171300, HP:0002666.
Gastrointestinal stromal tumor. Also called: Gastrointestinal stroma tumor; Gastrointestinal stromal tumor, somatic. Identifiers: Orphanet 44890, MedGen C0238198, MeSH D046152, MONDO:0011719, OMIM 606764, HP:0100723.
Pheochromocytoma/paraganglioma syndrome 4. Also called: CAROTID BODY TUMORS AND MULTIPLE EXTRAADRENAL PHEOCHROMOCYTOMAS; PARAGANGLIOMA, FAMILIAL MALIGNANT; PARAGANGLIOMAS, HEREDITARY EXTRAADRENAL; PHEOCHROMOCYTOMA, FAMILIAL EXTRAADRENAL; Paragangliomas 4; SDHB-Related Hereditary Paraganglioma-Pheochromocytoma Syndrome (Paragangliomas 4). Identifiers: Orphanet 29072, MedGen C1861848, MONDO:0007273, OMIM 115310.

Submission:

Labcorp Genetics (formerly Invitae), Labcorp
Classification: Uncertain significance for Gastrointestinal stromal tumor; Pheochromocytoma/paraganglioma syndrome 4; Pheochromocytoma. Last evaluated: 2026-01-14. Review status: criteria provided, single submitter. Criteria: Invitae Variant Classification Sherloc (09022015). Collection method: clinical testing. Allele origin: germline.
Comment: This sequence change replaces isoleucine, which is neutral and non-polar, with asparagine, which is neutral and polar, at codon 105 of the SDHB protein (p.Ile105Asn). This variant is not present in population databases (gnomAD no frequency). This missense change has been observed in individual(s) with metastatic paraganglioma (PMID: 40213107). Invitae Evidence Modeling of protein sequence and biophysical properties (such as structural, functional, and spatial information, amino acid conservation, physicochemical variation, residue mobility, and thermodynamic stability) indicates that this missense variant is expected to disrupt SDHB protein function with a positive predictive value of 80%. In summary, the available evidence is currently insufficient to determine the role of this variant in disease. Therefore, it has been classified as a Variant of Uncertain Significance.

Literature cited by the submitters: PubMed 40213107.